The following is an entry in ClinVar:

NM_000875.5(IGF1R):c.3870G>A (p.Pro1290=)

Gene: IGF1R (insulin like growth factor 1 receptor; plus strand). Cytogenetic location: 15q26.3.
Variant type: single nucleotide variant.
Coding change: c.3870G>A on transcript NM_000875.5 (MANE Select); coding-DNA position 3870, G replaced by A.
Protein change: p.Pro1290=; no amino-acid change (proline 1290 retained).
Molecular consequence: synonymous variant.
Genome position (GRCh38, 1-based): chr15:98,957,208, G>A. VCF-style: chr15-98957208-G-A. GRCh37 (hg19) VCF-style: chr15-99500437-G-A.
Other names: c.3867G>A, p.Pro1289= (NM_001291858.2); c.3870G>A (NM_000875.4).
Identifiers: ClinVar variation 2414297 (VCV002414297.10), dbSNP rs138888653, ClinGen allele CA7752817.

ClinVar aggregate classification (germline): Likely benign. Review status: criteria provided, multiple submitters, no conflicts (2 of 4 stars). 3 submissions from 3 submitters: Likely benign (2). 1 of the submissions does not count toward it. Last evaluated 2025-11-26.

Conditions:
IGF1R-related disorder. Also called: IGF1R-related condition.

Allele frequency attached by ClinVar (database versions not stated): ExAC 0.00004; gnomAD exomes 0.00004; gnomAD 0.00006; TOPMed 0.00006; ESP Exome Variant Server 0.00008.
gnomAD v4.1: 64 of 1,614,088 alleles (0.004%); highest among the groups gnomAD compares: Middle Eastern, 0.016%; no homozygotes.

Submissions (3):

Labcorp Genetics (formerly Invitae), Labcorp
Classification: Likely benign. Last evaluated: 2025-11-26. Review status: criteria provided, single submitter. Criteria: Invitae Variant Classification Sherloc (09022015). Collection method: clinical testing. Allele origin: germline.

Blueprint Genetics
Classification: Likely benign. Last evaluated: 2024-04-03. Review status: criteria provided, single submitter. Criteria: ACMG Guidelines, 2015. Collection method: clinical testing. Allele origin: germline.

PreventionGenetics, part of Exact Sciences
Classification: Likely benign for IGF1R-related condition. Last evaluated: 2019-03-12. Review status: no assertion criteria provided. Collection method: clinical testing. Allele origin: germline. Not counted in ClinVar's aggregate classification.
Comment: This variant is classified as likely benign based on ACMG/AMP sequence variant interpretation guidelines (Richards et al. 2015 PMID: 25741868, with internal and published modifications).